The following is an entry in ClinVar:

NM_004525.3(LRP2):c.1520A>C (p.Glu507Ala)

Gene: LRP2 (LDL receptor related protein 2; minus strand). Cytogenetic location: 2q31.1.
Variant type: single nucleotide variant.
Coding change: c.1520A>C on transcript NM_004525.3 (MANE Select); coding-DNA position 1520, A replaced by C.
Protein change: p.Glu507Ala; replaces glutamic acid 507 with alanine.
Molecular consequence: missense variant.
Genome position (GRCh38, 1-based): chr2:169,279,417, T>G on the plus strand (A>C on the coding strand, the complement: LRP2 is on the minus strand). VCF-style: chr2-169279417-T-G. GRCh37 (hg19) VCF-style: chr2-170135927-T-G.
Other names: short protein forms E507A.
Identifiers: ClinVar variation 4623880 (VCV004623880.2).

ClinVar aggregate classification (germline): Uncertain significance. Review status: criteria provided, multiple submitters, no conflicts (2 of 4 stars). 2 submissions from 2 submitters: Uncertain significance (2). Last evaluated 2026-01-19.

Conditions:
Inborn genetic diseases. Identifiers: MedGen C0950123, MeSH D030342.

gnomAD v4.1: 12 of 1,614,076 alleles (0.00074%); highest among the groups gnomAD compares: East Asian, 0.027%; no homozygotes.

Submissions (2):

Labcorp Genetics (formerly Invitae), Labcorp
Classification: Uncertain significance. Last evaluated: 2026-01-19. Review status: criteria provided, single submitter. Criteria: Invitae Variant Classification Sherloc (09022015). Collection method: clinical testing. Allele origin: germline.
Comment: This sequence change replaces glutamic acid, which is acidic and polar, with alanine, which is neutral and non-polar, at codon 507 of the LRP2 protein (p.Glu507Ala). This variant is not present in population databases (gnomAD no frequency). This variant has not been reported in the literature in individuals affected with LRP2-related conditions. Invitae Evidence Modeling of protein sequence and biophysical properties (such as structural, functional, and spatial information, amino acid conservation, physicochemical variation, residue mobility, and thermodynamic stability) indicates that this missense variant is not expected to disrupt LRP2 protein function with a negative predictive value of 80%. In summary, the available evidence is currently insufficient to determine the role of this variant in disease. Therefore, it has been classified as a Variant of Uncertain Significance.

Ambry Genetics
Classification: Uncertain significance for Inborn genetic diseases. Last evaluated: 2025-12-09. Review status: criteria provided, single submitter. Criteria: Ambry Variant Classification Scheme 2023. Collection method: clinical testing. Allele origin: germline.